The following is an entry in ClinVar:

ClinVar aggregate classification (germline): Likely pathogenic (1 of 4 stars; one submission).

Submission:

Labcorp Genetics (formerly Invitae), Labcorp
Classification: Likely pathogenic. Last evaluated: 2025-09-15. Review status: criteria provided, single submitter. Criteria: Invitae Variant Classification Sherloc (09022015). Collection method: clinical testing. Allele origin: germline.
Comment: This sequence change affects a splice site in intron 19 of the SI gene. It is expected to disrupt RNA splicing. Variants that disrupt the donor or acceptor splice site typically lead to a loss of protein function (PMID: 16199547), and loss-of-function variants in SI are known to be pathogenic (PMID: 16329100, 23103650, 25452324). This variant is present in population databases (rs756860453, gnomAD 0.002%). This variant has not been reported in the literature in individuals affected with SI-related conditions. ClinVar contains an entry for this variant (Variation ID: 2955140). Algorithms developed to predict the effect of sequence changes on RNA splicing suggest that this variant may disrupt the consensus splice site. In summary, the currently available evidence indicates that the variant is pathogenic, but additional data are needed to prove that conclusively. Therefore, this variant has been classified as Likely Pathogenic.

Literature cited by the submitters: PubMed 16199547; PubMed 16329100; PubMed 23103650; PubMed 25452324.

NM_001041.4(SI):c.2244+2_2244+5del

Gene: SI (sucrase-isomaltase; minus strand). Cytogenetic location: 3q26.1.
Variant type: Deletion.
Coding change: c.2244+2_2244+5del on transcript NM_001041.4 (MANE Select); the canonical splice donor site of the intron after coding-DNA position 2244 through 5 bases into the intron after coding-DNA position 2244, 4 bases deleted (TAGG; older notation c.2244+2_2244+5delTAGG).
Molecular consequence: splice donor variant.
Genome position (GRCh38, 1-based): chr3:165,039,882-165,039,885, CCTA deleted on the plus strand (TAGG on the coding strand, the reverse complement: SI is on the minus strand); deleting any 4 consecutive bases within chr3:165,039,882-165,039,888 gives the same sequence; the c. name uses the placement nearest the transcript's 3' end. VCF-style (leftmost placement, unchanged base first): chr3-165039881-GCCTA-G. GRCh37 (hg19) VCF-style: chr3-164757669-GCCTA-G.
Identifiers: ClinVar variation 2955140 (VCV002955140.3), dbSNP rs756860453, ClinGen allele CA86538132.